The following is an entry in ClinVar:

ClinVar aggregate classification (germline): Conflicting classifications of pathogenicity. Review status: criteria provided, conflicting classifications (1 of 4 stars). 2 submissions from 2 submitters: Likely pathogenic (1); Uncertain significance (1). Last evaluated 2024-03-08.

Conditions:
IVD-related disorder. Also called: IVD-related condition.

Allele frequency attached by ClinVar (database versions not stated): ExAC 0.00002.
gnomAD v4.1: 7 of 1,614,206 alleles (0.00043%); highest among the groups gnomAD compares: South Asian, 0.0077%; no homozygotes.

Submissions (2):

Women's Health and Genetics/Laboratory Corporation of America, LabCorp
Classification: Uncertain significance. Last evaluated: 2024-03-08. Review status: criteria provided, single submitter. Criteria: LabCorp Variant Classification Summary - May 2015. Collection method: clinical testing. Allele origin: germline.
Comment: Variant summary: IVD c.389C>G (p.Ser130Cys) results in a non-conservative amino acid change in the encoded protein sequence. Five of five in-silico tools predict a damaging effect of the variant on protein function. The variant allele was found at a frequency of 1.6e-05 in 251460 control chromosomes. The available data on variant occurrences in the general population are insufficient to allow any conclusion about variant significance. c.389C>G has been reported in the literature as a mild-IVA variant with an ambiguous annotation, as c.398C>G without specifying the corresponding protein impact in at-least one reportedly asymptomatic homozygous newborn individual identified by newborn screening for Isovaleryl-CoA Dehydrogenase Deficiency (example, Mutze_2021). These report(s) do not provide unequivocal conclusions about association of the variant with Isovaleryl-CoA Dehydrogenase Deficiency. To our knowledge, no experimental evidence demonstrating an impact on protein function has been reported. The following publication have been ascertained in the context of this evaluation (PMID: 33496032). No submitters have cited clinical-significance assessments for this variant to ClinVar. Based on the evidence outlined above, the variant was classified as uncertain significance.

Blueprint Genetics
Classification: Likely pathogenic for IVD-related disorders. Last evaluated: 2022-04-07. Review status: criteria provided, single submitter. Criteria: ACMG Guidelines, 2015. Collection method: clinical testing. Allele origin: germline. Affected: yes. Observed: 3 variant alleles.

Literature cited by the submitters: PubMed 33496032 (cited by Women's Health and Genetics/Laboratory Corporation of America, LabCorp).

NM_002225.5(IVD):c.389C>G (p.Ser130Cys)

Gene: IVD (isovaleryl-CoA dehydrogenase; plus strand). Cytogenetic location: 15q15.1.
Variant type: single nucleotide variant.
Coding change: c.389C>G on transcript NM_002225.5 (MANE Select); coding-DNA position 389, C replaced by G.
Protein change: p.Ser130Cys; replaces serine 130 with cysteine.
Molecular consequence: missense variant. On other transcripts: non-coding transcript variant (1).
Genome position (GRCh38, 1-based): chr15:40,410,730, C>G. VCF-style: chr15-40410730-C-G. GRCh37 (hg19) VCF-style: chr15-40702929-C-G.
Other names: c.299C>G, p.Ser100Cys (NM_001159508.3); c.341C>G, p.Ser114Cys (NM_001354597.3); c.389C>G, p.Ser130Cys (NM_001354598.3, NM_001354601.3); c.476C>G, p.Ser159Cys (NM_001354599.3, NM_001354600.3); short protein forms S100C, S114C, S130C, S159C.
Identifiers: ClinVar variation 3233579 (VCV003233579.3), dbSNP rs752715934, ClinGen allele CA7480611.